The following is an entry in ClinVar:

ClinVar aggregate classification (germline): Uncertain significance (1 of 4 stars; one submission).

Conditions:
Early-infantile DEE. Also called: Early infantile epileptic encephalopathy with suppression bursts; Early infantile epileptic encephalopathy; Ohtahara syndrome. Identifiers: Orphanet 1934, MedGen C0393706, MONDO:0800491.

Submission:

Labcorp Genetics (formerly Invitae), Labcorp
Classification: Uncertain significance for Early-infantile DEE. Last evaluated: 2023-07-25. Review status: criteria provided, single submitter. Criteria: Invitae Variant Classification Sherloc (09022015). Collection method: clinical testing. Allele origin: germline.
Comment: In summary, the available evidence is currently insufficient to determine the role of this variant in disease. Therefore, it has been classified as a Variant of Uncertain Significance. An algorithm developed to predict the effect of missense changes on protein structure and function (PolyPhen-2) suggests that this variant is likely to be disruptive. This missense change has been observed in individual(s) with clinical features of SCN1A-related conditions (Invitae). Information on the frequency of this variant in the gnomAD database is not available, as this variant may be reported differently in the database. This sequence change replaces leucine, which is neutral and non-polar, with histidine, which is basic and polar, at codon 221 of the SCN1A protein (p.Leu221His).

NM_001165963.4(SCN1A):c.662_663delinsAT (p.Leu221His)

Gene: SCN1A (sodium voltage-gated channel alpha subunit 1; minus strand). Cytogenetic location: 2q24.3.
Variant type: Indel.
Coding change: c.662_663delinsAT on transcript NM_001165963.4 (MANE Select); coding-DNA positions 662 to 663, TC replaced by AT.
Protein change: p.Leu221His; replaces leucine 221 with histidine.
Molecular consequence: missense variant. On other transcripts: 5 prime UTR variant (1), non-coding transcript variant (1).
Genome position (GRCh38, 1-based): chr2:166,052,883-166,052,884, GA replaced by AT on the plus strand (TC replaced by AT on the coding strand, the reverse complement: SCN1A is on the minus strand). VCF-style: chr2-166052883-GA-AT. GRCh37 (hg19) VCF-style: chr2-166909393-GA-AT.
Other names: c.662_663delinsAT, p.Leu221His (NM_001165964.3, NM_001202435.3, NM_001353948.2 and 10 more transcripts); c.-1764_-1763delinsAT (NM_001353961.2); short protein forms L221H.
Identifiers: ClinVar variation 2746470 (VCV002746470.3), dbSNP rs2468233018, ClinGen allele CA2697551267.